The following is an entry in ClinVar:

NM_001318510.2(ACSL4):c.1698-10G>A

Gene: ACSL4 (acyl-CoA synthetase long chain family member 4; minus strand). Cytogenetic location: Xq23.
Variant type: single nucleotide variant.
Coding change: c.1698-10G>A on transcript NM_001318510.2 (MANE Select); 10 bases into the intron before coding-DNA position 1698, G replaced by A.
Molecular consequence: intron variant.
Genome position (GRCh38, 1-based): chrX:109,659,521, C>T on the plus strand (G>A on the coding strand, the complement: ACSL4 is on the minus strand). VCF-style: chrX-109659521-C-T. GRCh37 (hg19) VCF-style: chrX-108902750-C-T.
Other names: NC_000023.10:g.108902750C>T; c.1698-10G>A (NM_004458.3); c.1821-10G>A (NM_001318509.2, NM_022977.3, NM_022977.2).
Identifiers: ClinVar variation 434072 (VCV000434072.14), dbSNP rs193072191, ClinGen allele CA10490976.

ClinVar aggregate classification (germline): Conflicting classifications of pathogenicity. Review status: criteria provided, conflicting classifications (1 of 4 stars). 5 submissions from 5 submitters: Uncertain significance (1); Benign (1); Likely benign (2). 1 of the submissions does not count toward it. Last evaluated 2024-11-11.

Conditions:
Non-syndromic X-linked intellectual disability (XLID). Also called: Mental retardation, nonsyndromic, X-linked. Identifiers: Orphanet 777, MedGen C3501611, MONDO:0019181.
ACSL4-related disorder. Also called: ACSL4-related condition.

Allele frequency attached by ClinVar (database versions not stated): gnomAD exomes 0.00052 and 0.00149; ExAC 0.00203; 1000 Genomes Project 30x 0.00375; 1000 Genomes Project 0.00397; gnomAD 0.00551 and 0.00585; TOPMed 0.00682; ESP Exome Variant Server 0.00729.
gnomAD v4.1: 1,227 of 1,157,839 alleles (0.11%); highest among the groups gnomAD compares: African/African-American, 1.7%; 10 homozygotes.

Submissions (8):

Blueprint Genetics
Classification: Likely benign. Last evaluated: 2024-11-11. Review status: criteria provided, single submitter. Criteria: ACMG Guidelines, 2015. Collection method: clinical testing. Allele origin: germline.

Labcorp Genetics (formerly Invitae), Labcorp
Classification: Benign. Last evaluated: 2019-12-31. Review status: criteria provided, single submitter. Criteria: Invitae Variant Classification Sherloc (09022015). Collection method: clinical testing. Allele origin: germline.

Genetic Services Laboratory, University of Chicago
Classification: Likely benign. Last evaluated: 2016-12-17. Review status: criteria provided, single submitter. Criteria: ACMG Guidelines, 2015. Collection method: clinical testing. Allele origin: germline. Affected: no.

Center for Human Genetics, Inc
Classification: Uncertain significance for Non-syndromic X-linked intellectual disability. Last evaluated: 2011-08-31. Review status: criteria provided, single submitter. Criteria: ACMG Guidelines, 2015. Collection method: clinical testing. Allele origin: germline. Affected: yes.

PreventionGenetics, part of Exact Sciences
Classification: Benign for ACSL4-related condition. Last evaluated: 2019-06-11. Review status: no assertion criteria provided. Collection method: clinical testing. Allele origin: germline. Not counted in ClinVar's aggregate classification.
Comment: This variant is classified as benign based on ACMG/AMP sequence variant interpretation guidelines (Richards et al. 2015 PMID: 25741868, with internal and published modifications).

Dr. Peter K. Rogan Lab, Western University
No classification provided (evidence only). Condition: Uterine corpus endometrial carcinoma. Review status: no classification provided. Collection method: in vitro. Allele origin: not applicable. Functional consequence: retained intron. Not counted in ClinVar's aggregate classification.

Dr. Peter K. Rogan Lab, Western University
No classification provided (evidence only). Condition: Sarcoma. Review status: no classification provided. Collection method: in vitro. Allele origin: not applicable. Functional consequence: retained intron. Not counted in ClinVar's aggregate classification.

Dr. Peter K. Rogan Lab, Western University
No classification provided (evidence only). Condition: Malignant tumor of esophagus. Review status: no classification provided. Collection method: in vitro. Allele origin: not applicable. Functional consequence: retained intron. Not counted in ClinVar's aggregate classification.